The following is an entry in ClinVar:

NM_005228.5(EGFR):c.953T>C (p.Met318Thr)

Gene: EGFR (epidermal growth factor receptor; plus strand). Cytogenetic location: 7p11.2.
Variant type: single nucleotide variant.
Coding change: c.953T>C on transcript NM_005228.5 (MANE Select); coding-DNA position 953, T replaced by C.
Protein change: p.Met318Thr; replaces methionine 318 with threonine.
Molecular consequence: missense variant.
Genome position (GRCh38, 1-based): chr7:55,155,893, T>C. VCF-style: chr7-55155893-T-C. GRCh37 (hg19) VCF-style: chr7-55223586-T-C.
Other names: c.818T>C, p.Met273Thr (NM_001346897.2, NM_001346899.2); c.953T>C, p.Met318Thr (NM_001346898.2, NM_201282.2, NM_201283.2 and 1 more transcripts); c.794T>C, p.Met265Thr (NM_001346900.2); c.152T>C, p.Met51Thr (NM_001346941.2); short protein forms M265T, M273T, M51T, M318T.
Identifiers: ClinVar variation 4639854 (VCV004639854.1).

ClinVar aggregate classification (germline): Uncertain significance (1 of 4 stars; one submission).

Conditions:
Hereditary cancer-predisposing syndrome. Also called: Neoplastic Syndromes, Hereditary; Tumor predisposition; Hereditary Cancer Syndrome; Hereditary neoplastic syndrome. Identifiers: Orphanet 140162, MedGen C0027672, MeSH D009386, MONDO:0015356.

Submission:

Ambry Genetics
Classification: Uncertain significance for Hereditary cancer-predisposing syndrome. Last evaluated: 2025-11-25. Review status: criteria provided, single submitter. Criteria: Ambry Variant Classification Scheme 2023. Collection method: clinical testing. Allele origin: germline.
Comment: The p.M318T variant (also known as c.953T>C), located in coding exon 8 of the EGFR gene, results from a T to C substitution at nucleotide position 953. The methionine at codon 318 is replaced by threonine, an amino acid with similar properties. This amino acid position is conserved. In addition, this alteration is predicted to be tolerated by in silico analysis. Based on the available evidence, the clinical significance of this variant remains unclear.